The following is an entry in ClinVar:

NM_001267550.2(TTN):c.15831C>T (p.Pro5277=)

Gene: TTN (titin; minus strand). Cytogenetic location: 2q31.2.
Variant type: single nucleotide variant.
Coding change: c.15831C>T on transcript NM_001267550.2 (MANE Select); coding-DNA position 15831, C replaced by T.
Protein change: p.Pro5277=; no amino-acid change (proline 5277 retained).
Molecular consequence: synonymous variant. On other transcripts: intron variant (3).
Genome position (GRCh38, 1-based): chr2:178,733,462, G>A on the plus strand (C>T on the coding strand, the complement: TTN is on the minus strand). VCF-style: chr2-178733462-G-A. GRCh37 (hg19) VCF-style: chr2-179598189-G-A.
Other names: c.14880C>T, p.Pro4960= (NM_001256850.1); c.12099C>T, p.Pro4033= (NM_133378.4); c.13282+4620C>T (NM_003319.4); c.13858+4620C>T (NM_133437.4); c.13657+4620C>T (NM_133432.3).
Identifiers: ClinVar variation 332931 (VCV000332931.34), dbSNP rs780784090, ClinGen allele CA2002143.

ClinVar aggregate classification (germline): Conflicting classifications of pathogenicity. Review status: criteria provided, conflicting classifications (1 of 4 stars). 9 submissions from 5 submitters: Uncertain significance (3); Likely benign (6). Last evaluated 2025-12-10.

Conditions:
Early-onset myopathy with fatal cardiomyopathy (CMYO5). Also called: CONGENITAL MYOPATHY 5 WITH CARDIOMYOPATHY; Salih Myopathy. Identifiers: Orphanet 289377, MedGen C2673677, MONDO:0012714, OMIM 611705. Disease mechanism: loss of function.
Autosomal recessive limb-girdle muscular dystrophy type 2J (LGMDR10). Also called: MUSCULAR DYSTROPHY, LIMB-GIRDLE, AUTOSOMAL RECESSIVE 10; Limb-girdle muscular dystrophy, type 2J. Identifiers: Orphanet 140922, MedGen C1837342, MONDO:0012127, OMIM 608807.
Dilated cardiomyopathy 1G (CMD1G). Identifiers: Orphanet 154, MedGen C1858763, MONDO:0011400, OMIM 604145.
Myopathy, myofibrillar, 9, with early respiratory failure (MFM9). Also called: Myopathy, distal, with early respiratory failure, autosomal dominant; EDSTROM MYOPATHY; Hereditary myopathy with early respiratory failure; MYOPATHY, PROXIMAL, WITH EARLY RESPIRATORY MUSCLE INVOLVEMENT. Identifiers: Orphanet 178464, Orphanet 34521, MedGen C1863599, MONDO:0011362, OMIM 603689.
Tibial muscular dystrophy (TMD). Also called: Udd Distal Myopathy – Tibial Muscular Dystrophy; UDD MYOPATHY; Tibial muscular dystrophy, tardive. Identifiers: Orphanet 609, MedGen C1838244, MONDO:0010870, OMIM 600334.
TTN-related disorder. Also called: TTN-related condition; TTN-related disease; TTN-related disorders.

Allele frequency attached by ClinVar (database versions not stated): gnomAD exomes 0.00001 and 0.00002; ExAC 0.00002; gnomAD 0.00003 and 0.00004; TOPMed 0.00003.
gnomAD v4.1: 27 of 1,613,592 alleles (0.0017%); highest among the groups gnomAD compares: Middle Eastern, 0.033%; no homozygotes.

Submissions (9):

PreventionGenetics, part of Exact Sciences
Classification: Likely benign for TTN-related condition. Last evaluated: 2025-12-10. Review status: criteria provided, single submitter. Criteria: ACMG Guidelines, 2015. Collection method: clinical testing. Allele origin: germline.
Comment: This variant is classified as likely benign based on ACMG/AMP sequence variant interpretation guidelines (Richards et al. 2015 PMID: 25741868, with internal and published modifications).

Labcorp Genetics (formerly Invitae), Labcorp
Classification: Likely benign for Dilated cardiomyopathy 1G; Autosomal recessive limb-girdle muscular dystrophy type 2J. Last evaluated: 2025-03-05. Review status: criteria provided, single submitter. Criteria: Invitae Variant Classification Sherloc (09022015). Collection method: clinical testing. Allele origin: germline.

CeGaT Center for Human Genetics Tuebingen
Classification: Likely benign. Last evaluated: 2024-04-01. Review status: criteria provided, single submitter. Criteria: CeGaT Center For Human Genetics Tuebingen Variant Classification Criteria Version 2. Collection method: clinical testing. Allele origin: germline. Affected: yes. Observed: 1 variant allele.
Comment: TTN: BP4, BP7

Blueprint Genetics
Classification: Likely benign. Last evaluated: 2021-05-25. Review status: criteria provided, single submitter. Criteria: ACMG Guidelines, 2015. Collection method: clinical testing. Allele origin: germline.

Illumina Laboratory Services, Illumina
Classification: Uncertain significance for Dilated cardiomyopathy 1G. Last evaluated: 2018-01-13. Review status: criteria provided, single submitter. Criteria: ICSL Variant Classification Criteria 13 December 2019. Collection method: clinical testing. Allele origin: germline.

Illumina Laboratory Services, Illumina
Classification: Uncertain significance for Early-onset myopathy with fatal cardiomyopathy. Last evaluated: 2018-01-13. Review status: criteria provided, single submitter. Criteria: ICSL Variant Classification Criteria 13 December 2019. Collection method: clinical testing. Allele origin: germline.

Illumina Laboratory Services, Illumina
Classification: Likely benign for Tibial muscular dystrophy. Last evaluated: 2018-01-13. Review status: criteria provided, single submitter. Criteria: ICSL Variant Classification Criteria 13 December 2019. Collection method: clinical testing. Allele origin: germline.
Comment: This variant was observed in the ICSL laboratory as part of a predisposition screen in an ostensibly healthy population. It had not been previously curated by ICSL or reported in the Human Gene Mutation Database (HGMD: prior to June 1st, 2018), and was therefore a candidate for classification through an automated scoring system. Utilizing variant allele frequency, disease prevalence and penetrance estimates, and inheritance mode, an automated score was calculated to assess if this variant is too frequent to cause the disease. Based on the score and internal cut-off values, a variant classified as likely benign is not then subjected to further curation. The score for this variant resulted in a classification of likely benign for this disease.

Illumina Laboratory Services, Illumina
Classification: Likely benign for Myopathy, myofibrillar, 9, with early respiratory failure. Last evaluated: 2018-01-13. Review status: criteria provided, single submitter. Criteria: ICSL Variant Classification Criteria 13 December 2019. Collection method: clinical testing. Allele origin: germline.
Comment: the same text as in the submission from Illumina Laboratory Services, Illumina above.

Illumina Laboratory Services, Illumina
Classification: Uncertain significance for Autosomal recessive limb-girdle muscular dystrophy type 2J. Last evaluated: 2018-01-13. Review status: criteria provided, single submitter. Criteria: ICSL Variant Classification Criteria 13 December 2019. Collection method: clinical testing. Allele origin: germline.